The following is an entry in ClinVar:

ClinVar aggregate classification (germline): Uncertain significance. Review status: criteria provided, multiple submitters, no conflicts (2 of 4 stars). 3 submissions from 3 submitters: Uncertain significance (3). Last evaluated 2025-03-03.

Conditions:
Episodic ataxia type 2 (EA2). Also called: ATAXIA, EPISODIC, WITH NYSTAGMUS; ATAXIA, FAMILIAL PAROXYSMAL; ACETAZOLAMIDE-RESPONSIVE HEREDITARY PAROXYSMAL CEREBELLAR ATAXIA; CEREBELLAR ATAXIA, PAROXYSMAL, ACETAZOLAMIDE-RESPONSIVE; CEREBELLOPATHY, HEREDITARY PAROXYSMAL; EPISODIC ATAXIA, NYSTAGMUS-ASSOCIATED. Identifiers: Orphanet 97, MedGen C1720416, MONDO:0007163, OMIM 108500.
Developmental and epileptic encephalopathy, 42 (DEE42A). Also called: Epileptic encephalopathy, early infantile, 42; DEVELOPMENTAL AND EPILEPTIC ENCEPHALOPATHY 42A; EPILEPTIC ENCEPHALOPATHY, EARLY INFANTILE, 42A. Identifiers: MedGen C4310716, MONDO:0014917, OMIM 617106.
Inborn genetic diseases. Identifiers: MedGen C0950123, MeSH D030342.

Submissions (3):

Ambry Genetics
Classification: Uncertain significance for Inborn genetic diseases. Last evaluated: 2025-03-03. Review status: criteria provided, single submitter. Criteria: Ambry Variant Classification Scheme 2023. Collection method: clinical testing. Allele origin: germline.

GeneDx
Classification: Uncertain significance. Last evaluated: 2025-02-20. Review status: criteria provided, single submitter. Criteria: GeneDx Variant Classification Process June 2021. Collection method: clinical testing. Allele origin: germline. Affected: yes.
Comment: Not observed at significant frequency in large population cohorts (gnomAD); In silico analysis supports that this missense variant has a deleterious effect on protein structure/function; Has not been previously published as pathogenic or benign to our knowledge

Labcorp Genetics (formerly Invitae), Labcorp
Classification: Uncertain significance for Developmental and epileptic encephalopathy, 42; Episodic ataxia type 2. Last evaluated: 2024-12-12. Review status: criteria provided, single submitter. Criteria: Invitae Variant Classification Sherloc (09022015). Collection method: clinical testing. Allele origin: germline.
Comment: This sequence change replaces histidine, which is basic and polar, with aspartic acid, which is acidic and polar, at codon 1166 of the CACNA1A protein (p.His1166Asp). This variant is not present in population databases (gnomAD no frequency). This variant has not been reported in the literature in individuals affected with CACNA1A-related conditions. Invitae Evidence Modeling of protein sequence and biophysical properties (such as structural, functional, and spatial information, amino acid conservation, physicochemical variation, residue mobility, and thermodynamic stability) indicates that this missense variant is not expected to disrupt CACNA1A protein function with a negative predictive value of 95%. In summary, the available evidence is currently insufficient to determine the role of this variant in disease. Therefore, it has been classified as a Variant of Uncertain Significance.

NM_001127222.2(CACNA1A):c.3493C>G (p.His1165Asp)

Gene: CACNA1A (calcium voltage-gated channel subunit alpha1 A; minus strand). Cytogenetic location: 19p13.13.
Variant type: single nucleotide variant.
Coding change: c.3493C>G on transcript NM_001127222.2 (MANE Select); coding-DNA position 3493, C replaced by G.
Protein change: p.His1165Asp; replaces histidine 1165 with aspartic acid.
Molecular consequence: missense variant.
Genome position (GRCh38, 1-based): chr19:13,286,563, G>C on the plus strand (C>G on the coding strand, the complement: CACNA1A is on the minus strand). VCF-style: chr19-13286563-G-C. GRCh37 (hg19) VCF-style: chr19-13397377-G-C.
Other names: c.3505C>G, p.His1169Asp (NM_000068.4, NM_023035.3); c.3496C>G, p.His1166Asp (NM_001127221.2, NM_001174080.2); short protein forms H1165D, H1166D, H1169D.
Identifiers: ClinVar variation 3763383 (VCV003763383.4).